The following is an entry in ClinVar:

NM_058216.3(RAD51C):c.146-2A>G

Gene: RAD51C (RAD51 paralog C; plus strand). Cytogenetic location: 17q22.
Variant type: single nucleotide variant.
Coding change: c.146-2A>G on transcript NM_058216.3 (MANE Select); the canonical splice acceptor site of the intron before coding-DNA position 146, A replaced by G.
Molecular consequence: splice acceptor variant.
Genome position (GRCh38, 1-based): chr17:58,694,929, A>G. VCF-style: chr17-58694929-A-G. GRCh37 (hg19) VCF-style: chr17-56772290-A-G.
Other names: c.146-2A>G (NM_002876.4).
Identifiers: ClinVar variation 480520 (VCV000480520.11), dbSNP rs1555593457, ClinGen allele CA400339470.
Genomic context (GRCh38, chr17:58,694,929, plus strand): 5'-TTATCATGTTACACTTTTAAATCTCTAAAATTAGGGTTCTTTTTTTCTTATTTTACTTTC[A>G]GAAGTTGGGATATCTAAAGCAGAAGCCTTAGAAACTCTGCAAATTATCAGAAGAGAATGT-3'

ClinVar aggregate classification (germline): Conflicting classifications of pathogenicity. Review status: criteria provided, conflicting classifications (1 of 4 stars). 3 submissions from 3 submitters: Likely pathogenic (2); Uncertain significance (1). Last evaluated 2022-07-11.

Conditions:
Fanconi anemia complementation group O. Also called: RAD51C-Related Fanconi Anemia. Identifiers: Orphanet 84, MedGen C3150653, MONDO:0013248, OMIM 613390.
Breast-ovarian cancer, familial, susceptibility to, 3. Also called: RAD51C-Related Breast/Ovarian Cancer. Identifiers: Orphanet 145, MedGen C3150659, MONDO:0013253, OMIM 613399.
Hereditary cancer-predisposing syndrome. Also called: Hereditary neoplastic syndrome; Neoplastic Syndromes, Hereditary; Tumor predisposition; Hereditary Cancer Syndrome. Identifiers: Orphanet 140162, MedGen C0027672, MeSH D009386, MONDO:0015356.

Submissions (3):

Labcorp Genetics (formerly Invitae), Labcorp
Classification: Uncertain significance for Fanconi anemia complementation group O. Last evaluated: 2022-07-11. Review status: criteria provided, single submitter. Criteria: Invitae Variant Classification Sherloc (09022015). Collection method: clinical testing. Allele origin: germline.
Comment: This sequence change affects an acceptor splice site in intron 1 of the RAD51C gene. It is expected to disrupt RNA splicing. Variants that disrupt the donor or acceptor splice site typically lead to a loss of protein function (PMID: 16199547), and loss-of-function variants in RAD51C are known to be pathogenic (PMID: 20400964, 21990120, 24800917). This variant is not present in population databases (gnomAD no frequency). In summary, the available evidence is currently insufficient to determine the role of this variant in disease. Therefore, it has been classified as a Variant of Uncertain Significance. Studies have shown that disruption of this splice site is associated with altered splicing resulting in unknown protein product impact (Invitae). ClinVar contains an entry for this variant (Variation ID: 480520). This variant has not been reported in the literature in individuals affected with RAD51C-related conditions.

Fulgent Genetics
Classification: Likely pathogenic for Fanconi anemia complementation group O; Breast-ovarian cancer, familial, susceptibility to, 3. Last evaluated: 2022-05-18. Review status: criteria provided, single submitter. Criteria: ACMG Guidelines, 2015. Collection method: clinical testing. Allele origin: unknown.

Ambry Genetics
Classification: Likely pathogenic for Hereditary cancer-predisposing syndrome. Last evaluated: 2022-03-07. Review status: criteria provided, single submitter. Criteria: Ambry Variant Classification Scheme 2023. Collection method: clinical testing. Allele origin: germline.
Comment: The c.146-2A>G intronic variant results from an A to G substitution two nucleotides upstream from coding exon 2 in the RAD51C gene. This variant is considered to be rare based on population cohorts in the Genome Aggregation Database (gnomAD). This nucleotide position is highly conserved in available vertebrate species. In silico splice site analysis predicts that this alteration will weaken the native splice acceptor site; however, direct evidence is insufficient at this time (Ambry internal data). Alterations that disrupt the canonical splice site are expected to cause aberrant splicing, resulting in an abnormal protein or a transcript that is subject to nonsense-mediated mRNA decay. As such, this alteration is classified as likely pathogenic.

Literature cited by the submitters: PubMed 16199547 (cited by Labcorp Genetics (formerly Invitae), Labcorp); PubMed 20400964 (cited by Labcorp Genetics (formerly Invitae), Labcorp); PubMed 21990120 (cited by Labcorp Genetics (formerly Invitae), Labcorp); PubMed 24800917 (cited by Labcorp Genetics (formerly Invitae), Labcorp).